The following is an entry in ClinVar:

ClinVar aggregate classification (germline): Uncertain significance (1 of 4 stars; one submission).

Allele frequency attached by ClinVar (database versions not stated): TOPMed below 0.00001; gnomAD exomes 0.00003; gnomAD 0.00004; ExAC 0.00006; 1000 Genomes Project 30x 0.00094; 1000 Genomes Project 0.00120.
gnomAD v4.1: 43 of 1,600,410 alleles (0.0027%); highest among the groups gnomAD compares: South Asian, 0.045%; 1 homozygote.

Submission:

Labcorp Genetics (formerly Invitae), Labcorp
Classification: Uncertain significance. Last evaluated: 2022-02-28. Review status: criteria provided, single submitter. Criteria: Invitae Variant Classification Sherloc (09022015). Collection method: clinical testing. Allele origin: germline.
Comment: In summary, the available evidence is currently insufficient to determine the role of this variant in disease. Therefore, it has been classified as a Variant of Uncertain Significance. Algorithms developed to predict the effect of missense changes on protein structure and function (SIFT, PolyPhen-2, Align-GVGD) all suggest that this variant is likely to be tolerated. This missense change has been observed in individual(s) with clinical features of autosomal recessive infantile onset dyskinesia (PMID: 30345538). This variant is present in population databases (rs571613015, gnomAD 0.02%). This sequence change replaces glutamic acid, which is acidic and polar, with glutamine, which is neutral and polar, at codon 67 of the PDE10A protein (p.Glu67Gln).

Literature cited by the submitters: PubMed 30345538.

NM_001385079.1(PDE10A):c.997G>C (p.Glu333Gln)

Gene: PDE10A (phosphodiesterase 10A; minus strand). Cytogenetic location: 6q27.
Variant type: single nucleotide variant.
Coding change: c.997G>C on transcript NM_001385079.1 (MANE Select); coding-DNA position 997, G replaced by C.
Protein change: p.Glu333Gln; replaces glutamic acid 333 with glutamine.
Molecular consequence: missense variant.
Genome position (GRCh38, 1-based): chr6:165,482,341, C>G on the plus strand (G>C on the coding strand, the complement: PDE10A is on the minus strand). VCF-style: chr6-165482341-C-G. GRCh37 (hg19) VCF-style: chr6-165895829-C-G.
Other names: c.199G>C, p.Glu67Gln (NM_001130690.3); c.169G>C, p.Glu57Gln (NM_006661.4); short protein forms E333Q, E57Q, E67Q.
Identifiers: ClinVar variation 2159435 (VCV002159435.4), dbSNP rs571613015, ClinGen allele CA4092561.